The following is an entry in ClinVar:

NM_017613.4(DONSON):c.999T>A (p.Ser333Arg)

Gene: DONSON (DNA replication fork stabilization factor DONSON; minus strand). Cytogenetic location: 21q22.11.
Variant type: single nucleotide variant.
Coding change: c.999T>A on transcript NM_017613.4 (MANE Select); coding-DNA position 999, T replaced by A.
Protein change: p.Ser333Arg; replaces serine 333 with arginine.
Molecular consequence: missense variant.
Genome position (GRCh38, 1-based): chr21:33,582,212, A>T on the plus strand (T>A on the coding strand, the complement: DONSON is on the minus strand). VCF-style: chr21-33582212-A-T. GRCh37 (hg19) VCF-style: chr21-34954518-A-T.
Other names: short protein forms S333R.
Identifiers: ClinVar variation 2087443 (VCV002087443.4), dbSNP rs199989677, ClinGen allele CA10010443.

ClinVar aggregate classification (germline): Uncertain significance (1 of 4 stars; one submission).

Allele frequency attached by ClinVar (database versions not stated): 1000 Genomes Project 0.00020; gnomAD 0.00001; 1000 Genomes Project 30x 0.00016; ExAC 0.00001; gnomAD exomes below 0.00001.
gnomAD v4.1: 2 of 1,614,000 alleles (0.00012%); highest among the groups gnomAD compares: African/African-American, 0.0027%; no homozygotes.

Submission:

Labcorp Genetics (formerly Invitae), Labcorp
Classification: Uncertain significance. Last evaluated: 2025-08-21. Review status: criteria provided, single submitter. Criteria: Invitae Variant Classification Sherloc (09022015). Collection method: clinical testing. Allele origin: germline.
Comment: This sequence change replaces serine, which is neutral and polar, with arginine, which is basic and polar, at codon 333 of the DONSON protein (p.Ser333Arg). This variant is present in population databases (rs199989677, gnomAD 0.007%). This variant has not been reported in the literature in individuals affected with DONSON-related conditions. ClinVar contains an entry for this variant (Variation ID: 2087443). Invitae Evidence Modeling of protein sequence and biophysical properties (such as structural, functional, and spatial information, amino acid conservation, physicochemical variation, residue mobility, and thermodynamic stability) indicates that this missense variant is not expected to disrupt DONSON protein function with a negative predictive value of 80%. In summary, the available evidence is currently insufficient to determine the role of this variant in disease. Therefore, it has been classified as a Variant of Uncertain Significance.